The following is an entry in ClinVar:

ClinVar aggregate classification (germline): Uncertain significance (1 of 4 stars; one submission).

Conditions:
GLUT1 deficiency syndrome 1, autosomal recessive. Identifiers: MedGen C3149117.

Submission:

Labcorp Genetics (formerly Invitae), Labcorp
Classification: Uncertain significance for GLUT1 deficiency syndrome 1, autosomal recessive. Last evaluated: 2025-09-17. Review status: criteria provided, single submitter. Criteria: Invitae Variant Classification Sherloc (09022015). Collection method: clinical testing. Allele origin: germline.
Comment: This sequence change replaces leucine, which is neutral and non-polar, with valine, which is neutral and non-polar, at codon 189 of the SLC2A1 protein (p.Leu189Val). This variant is not present in population databases (gnomAD no frequency). This variant has not been reported in the literature in individuals affected with SLC2A1-related conditions. Invitae Evidence Modeling of protein sequence and biophysical properties (such as structural, functional, and spatial information, amino acid conservation, physicochemical variation, residue mobility, and thermodynamic stability) indicates that this missense variant is expected to disrupt SLC2A1 protein function with a positive predictive value of 95%. In summary, the available evidence is currently insufficient to determine the role of this variant in disease. Therefore, it has been classified as a Variant of Uncertain Significance.

NM_006516.4(SLC2A1):c.565C>G (p.Leu189Val)

Gene: SLC2A1 (solute carrier family 2 member 1; minus strand). Cytogenetic location: 1p34.2.
Variant type: single nucleotide variant.
Coding change: c.565C>G on transcript NM_006516.4 (MANE Select); coding-DNA position 565, C replaced by G.
Protein change: p.Leu189Val; replaces leucine 189 with valine.
Molecular consequence: missense variant.
Genome position (GRCh38, 1-based): chr1:42,929,987, G>C on the plus strand (C>G on the coding strand, the complement: SLC2A1 is on the minus strand). VCF-style: chr1-42929987-G-C. GRCh37 (hg19) VCF-style: chr1-43395658-G-C.
Other names: short protein forms L189V.
Identifiers: ClinVar variation 4799895 (VCV004799895.1).